The following is an entry in ClinVar:

ClinVar aggregate classification (germline): Uncertain significance (1 of 4 stars; one submission).

gnomAD v4.1: 13 of 1,613,916 alleles (0.00081%); highest among the groups gnomAD compares: African/African-American, 0.0053%; no homozygotes.

Submission:

Labcorp Genetics (formerly Invitae), Labcorp
Classification: Uncertain significance. Last evaluated: 2026-01-01. Review status: criteria provided, single submitter. Criteria: Invitae Variant Classification Sherloc (09022015). Collection method: clinical testing. Allele origin: germline.
Comment: This sequence change replaces threonine, which is neutral and polar, with methionine, which is neutral and non-polar, at codon 229 of the LRRC8A protein (p.Thr229Met). This variant is present in population databases (rs769346865, gnomAD 0.01%). This variant has not been reported in the literature in individuals affected with LRRC8A-related conditions. ClinVar contains an entry for this variant (Variation ID: 3701094). An algorithm developed to predict the effect of missense changes on protein structure and function (PolyPhen-2) suggests that this variant is likely to be tolerated. In summary, the available evidence is currently insufficient to determine the role of this variant in disease. Therefore, it has been classified as a Variant of Uncertain Significance.

NM_019594.4(LRRC8A):c.686C>T (p.Thr229Met)

Gene: LRRC8A (leucine rich repeat containing 8 VRAC subunit A; plus strand). Cytogenetic location: 9q34.11.
Variant type: single nucleotide variant.
Coding change: c.686C>T on transcript NM_019594.4 (MANE Select); coding-DNA position 686, C replaced by T.
Protein change: p.Thr229Met; replaces threonine 229 with methionine.
Molecular consequence: missense variant.
Genome position (GRCh38, 1-based): chr9:128,907,850, C>T. VCF-style: chr9-128907850-C-T. GRCh37 (hg19) VCF-style: chr9-131670129-C-T.
Other names: c.686C>T, p.Thr229Met (NM_001127244.2, NM_001127245.2); short protein forms T229M.
Identifiers: ClinVar variation 3701094 (VCV003701094.2).